The following is an entry in ClinVar:

ClinVar aggregate classification (germline): Uncertain significance (1 of 4 stars; one submission).

Conditions:
Fanconi anemia (FA). Also called: Fanconi's anemia. Identifiers: Orphanet 84, MedGen C0015625, MeSH D005199, MONDO:0019391.

Allele frequency attached by ClinVar (database versions not stated): TOPMed 0.00002.
gnomAD v4.1: 2 of 1,614,136 alleles (0.00012%); highest among the groups gnomAD compares: East Asian, 0.0022%; no homozygotes.

Submission:

Labcorp Genetics (formerly Invitae), Labcorp
Classification: Uncertain significance for Fanconi anemia. Last evaluated: 2025-03-21. Review status: criteria provided, single submitter. Criteria: Invitae Variant Classification Sherloc (09022015). Collection method: clinical testing. Allele origin: germline.
Comment: This sequence change replaces serine, which is neutral and polar, with tryptophan, which is neutral and slightly polar, at codon 30 of the FANCL protein (p.Ser30Trp). This variant is not present in population databases (gnomAD no frequency). This variant has not been reported in the literature in individuals affected with FANCL-related conditions. ClinVar contains an entry for this variant (Variation ID: 846059). An algorithm developed to predict the effect of missense changes on protein structure and function (PolyPhen-2) suggests that this variant is likely to be tolerated. In summary, the available evidence is currently insufficient to determine the role of this variant in disease. Therefore, it has been classified as a Variant of Uncertain Significance.

NM_018062.4(FANCL):c.89C>G (p.Ser30Trp)

Gene: FANCL (FA complementation group L; minus strand). Cytogenetic location: 2p16.1.
Variant type: single nucleotide variant.
Coding change: c.89C>G on transcript NM_018062.4 (MANE Select); coding-DNA position 89, C replaced by G.
Protein change: p.Ser30Trp; replaces serine 30 with tryptophan.
Molecular consequence: missense variant.
Genome position (GRCh38, 1-based): chr2:58,241,225, G>C on the plus strand (C>G on the coding strand, the complement: FANCL is on the minus strand). VCF-style: chr2-58241225-G-C. GRCh37 (hg19) VCF-style: chr2-58468360-G-C.
Other names: c.89C>G, p.Ser30Trp (NM_001114636.2, NM_001374615.1, NM_001410792.1); short protein forms S30W.
Identifiers: ClinVar variation 846059 (VCV000846059.9), dbSNP rs763615183, ClinGen allele CA1670819.